The following is an entry in ClinVar:

NM_000037.4(ANK1):c.1930C>T (p.Gln644Ter)

Gene: ANK1 (ankyrin 1; minus strand). Cytogenetic location: 8p11.21.
Variant type: single nucleotide variant.
Coding change: c.1930C>T on transcript NM_000037.4 (MANE Select); coding-DNA position 1930, C replaced by T.
Protein change: p.Gln644Ter; replaces glutamine 644 with a stop codon.
Molecular consequence: nonsense.
Genome position (GRCh38, 1-based): chr8:41,708,846, G>A on the plus strand (C>T on the coding strand, the complement: ANK1 is on the minus strand). VCF-style: chr8-41708846-G-A. GRCh37 (hg19) VCF-style: chr8-41566364-G-A.
Other names: c.2029C>T, p.Gln677Ter (NM_001142446.2); c.1930C>T, p.Gln644Ter (NM_020475.3, NM_020476.3, NM_020477.3); short protein forms Q644*, Q677*.
Identifiers: ClinVar variation 2690522 (VCV002690522.3), dbSNP rs2486869082, ClinGen allele CA371067735.

ClinVar aggregate classification (germline): Pathogenic/Likely pathogenic. Review status: criteria provided, multiple submitters, no conflicts (2 of 4 stars). 2 submissions from 2 submitters: Pathogenic (1); Likely pathogenic (1). Last evaluated 2025-07-16.

Conditions:
Hereditary spherocytosis type 1. Also called: Spherocytosis type 1; ANK1-Related Spherocytosis. Identifiers: Orphanet 822, MedGen C2674218, MONDO:0008447, OMIM 182900.

Submissions (2):

Labcorp Genetics (formerly Invitae), Labcorp
Classification: Pathogenic. Last evaluated: 2025-07-16. Review status: criteria provided, single submitter. Criteria: Invitae Variant Classification Sherloc (09022015). Collection method: clinical testing. Allele origin: germline.
Comment: This sequence change creates a premature translational stop signal (p.Gln644*) in the ANK1 gene. It is expected to result in an absent or disrupted protein product. Loss-of-function variants in ANK1 are known to be pathogenic (PMID: 8640229). This variant is not present in population databases (gnomAD no frequency). This variant has not been reported in the literature in individuals affected with ANK1-related conditions. ClinVar contains an entry for this variant (Variation ID: 2690522). For these reasons, this variant has been classified as Pathogenic.

Revvity Omics, Revvity
Classification: Likely pathogenic for Hereditary spherocytosis type 1. Last evaluated: 2023-02-27. Review status: criteria provided, single submitter. Criteria: ACMG Guidelines, 2015. Collection method: clinical testing. Allele origin: germline.

Literature cited by the submitters: PubMed 8640229 (cited by Labcorp Genetics (formerly Invitae), Labcorp).